The following is an entry in ClinVar:

ClinVar aggregate classification (germline): Pathogenic (1 of 4 stars; one submission).

Conditions:
Duchenne muscular dystrophy (DMD). Also called: MUSCULAR DYSTROPHY, PSEUDOHYPERTROPHIC PROGRESSIVE, DUCHENNE TYPE; Duchenne Muscular Dystrophy (DMD). Identifiers: Orphanet 98896, MedGen C0013264, MONDO:0010679, OMIM 310200.

Submission:

Labcorp Genetics (formerly Invitae), Labcorp
Classification: Pathogenic for Duchenne muscular dystrophy. Last evaluated: 2023-05-22. Review status: criteria provided, single submitter. Criteria: Invitae Variant Classification Sherloc (09022015). Collection method: clinical testing. Allele origin: germline.
Comment: For these reasons, this variant has been classified as Pathogenic. A similar copy number variant has been observed in individual(s) with Duchenne muscular dystrophy (PMID: 16834926). This variant is a gross deletion of the genomic region encompassing exon(s) 53-60 of the DMD gene. This deletion is out-of-frame, and is expected to create a premature termination codon and result in an absent or disrupted protein product. Loss-of-function variants in DMD are known to be pathogenic (PMID: 16770791, 25007885).

Literature cited by the submitters: PubMed 16834926; PubMed 16770791; PubMed 25007885.

NC_000023.11:g.(?_31444461)_(31679606_?)del

Gene: DMD (dystrophin; minus strand). Cytogenetic location: Xp21.2-21.1.
Variant type: Deletion.
Identifiers: ClinVar variation 455797 (VCV000455797.8).